The following is an entry in ClinVar:

NM_000246.4(CIITA):c.2098C>T (p.Arg700Trp)

Gene: CIITA (class II major histocompatibility complex transactivator; plus strand). Cytogenetic location: 16p13.13.
Variant type: single nucleotide variant.
Coding change: c.2098C>T on transcript NM_000246.4 (MANE Select); coding-DNA position 2098, C replaced by T.
Protein change: p.Arg700Trp; replaces arginine 700 with tryptophan.
Molecular consequence: missense variant. On other transcripts: intron variant (1).
Genome position (GRCh38, 1-based): chr16:10,907,590, C>T. VCF-style: chr16-10907590-C-T. GRCh37 (hg19) VCF-style: chr16-11001447-C-T.
Other names: c.2101C>T, p.Arg701Trp (NM_001286402.1, NM_001379332.1); c.1954C>T, p.Arg652Trp (NM_001379330.1); c.1951C>T, p.Arg651Trp (NM_001379331.1); c.2098C>T, p.Arg700Trp (NM_001379333.1); c.2029C>T, p.Arg677Trp (NM_001379334.1); c.860-1393C>T (NM_001286403.2); short protein forms R701W, R700W, R651W, R652W, R677W.
Identifiers: ClinVar variation 645225 (VCV000645225.7), dbSNP rs770284013, ClinGen allele CA7900294.
Genomic context (GRCh38, chr16:10,907,590, plus strand): 5'-TTCCCATCCGCAGACGTGAGGACCTGGGCGATGGCCAAAGGCTTAGTCCAACACCCACCG[C>T]GGGCCGCAGAGTCCGAGCTGGCCTTCCCCAGCTTCCTCCTGCAATGCTTCCTGGGGGCCC-3'
Protein context (NP_000237.2, residues 690-710): MAKGLVQHPP[Arg700Trp]AAESELAFPS

ClinVar aggregate classification (germline): Uncertain significance. Review status: criteria provided, multiple submitters, no conflicts (2 of 4 stars). 4 submissions from 4 submitters: Uncertain significance (3). 1 of the submissions does not count toward it. Last evaluated 2024-11-05.

Conditions:
Inborn genetic diseases. Identifiers: MedGen C0950123, MeSH D030342.
MHC class II deficiency. Also called: Bare lymphocyte syndrome 2; BLS, TYPE II. Identifiers: Orphanet 572, MedGen C5447452, MONDO:0008855.

Allele frequency attached by ClinVar (database versions not stated): TOPMed 0.00003; gnomAD 0.00007.
gnomAD v4.1: 32 of 1,614,060 alleles (0.002%); highest among the groups gnomAD compares: African/African-American, 0.016%; no homozygotes.

Submissions (4):

Blueprint Genetics
Classification: Uncertain significance. Last evaluated: 2024-11-05. Review status: criteria provided, single submitter. Criteria: ACMG Guidelines, 2015. Collection method: clinical testing. Allele origin: germline.

Ambry Genetics
Classification: Uncertain significance for Inborn genetic diseases. Last evaluated: 2023-06-14. Review status: criteria provided, single submitter. Criteria: Ambry Variant Classification Scheme 2023. Collection method: clinical testing. Allele origin: germline.

Labcorp Genetics (formerly Invitae), Labcorp
Classification: Uncertain significance for MHC class II deficiency. Last evaluated: 2021-08-26. Review status: criteria provided, single submitter. Criteria: Invitae Variant Classification Sherloc (09022015). Collection method: clinical testing. Allele origin: germline.
Comment: This sequence change replaces arginine with tryptophan at codon 700 of the CIITA protein (p.Arg700Trp). The arginine residue is weakly conserved and there is a moderate physicochemical difference between arginine and tryptophan. This variant is present in population databases (rs770284013, ExAC 0.03%). This variant has not been reported in the literature in individuals affected with CIITA-related conditions. Algorithms developed to predict the effect of missense changes on protein structure and function are either unavailable or do not agree on the potential impact of this missense change (SIFT: "Deleterious"; PolyPhen-2: "Benign"; Align-GVGD: "Class C0"). In summary, the available evidence is currently insufficient to determine the role of this variant in disease. Therefore, it has been classified as a Variant of Uncertain Significance.

Natera, Inc.
Classification: Uncertain significance for Bare lymphocyte syndrome type II. Last evaluated: 2020-09-16. Review status: no assertion criteria provided. Collection method: clinical testing. Allele origin: germline. Not counted in ClinVar's aggregate classification.